The following is an entry in ClinVar:

ClinVar aggregate classification (germline): Conflicting classifications of pathogenicity. Review status: criteria provided, conflicting classifications (1 of 4 stars). 2 submissions from 2 submitters: Uncertain significance (1); Likely benign (1). Last evaluated 2022-03-29.

Conditions:
Intellectual disability. Also called: intellectual disabilities; Intellectual developmental disorder; Intellectual functioning disability. Identifiers: MedGen C3714756, MeSH D008607, MONDO:0001071, HP:0001249.

Allele frequency attached by ClinVar (database versions not stated): TOPMed 0.00001; gnomAD exomes 0.00001.
gnomAD v4.1: 11 of 1,210,505 alleles (0.00091%); highest among the groups gnomAD compares: Non-Finnish European, 0.0011%; no homozygotes.

Submissions (2):

Labcorp Genetics (formerly Invitae), Labcorp
Classification: Uncertain significance. Last evaluated: 2022-03-29. Review status: criteria provided, single submitter. Criteria: Invitae Variant Classification Sherloc (09022015). Collection method: clinical testing. Allele origin: germline.
Comment: In summary, the available evidence is currently insufficient to determine the role of this variant in disease. Therefore, it has been classified as a Variant of Uncertain Significance. Algorithms developed to predict the effect of missense changes on protein structure and function are either unavailable or do not agree on the potential impact of this missense change (SIFT: "Deleterious"; PolyPhen-2: "Benign"; Align-GVGD: "Class C15"). ClinVar contains an entry for this variant (Variation ID: 981268). This variant has not been reported in the literature in individuals affected with GRIA3-related conditions. This variant is not present in population databases (gnomAD no frequency). This sequence change replaces leucine, which is neutral and non-polar, with phenylalanine, which is neutral and non-polar, at codon 859 of the GRIA3 protein (p.Leu859Phe).

Diagnostic Laboratory, Strasbourg University Hospital
Classification: Likely benign for Intellectual disability. Last evaluated: 2020-09-10. Review status: criteria provided, single submitter. Criteria: ACMG Guidelines, 2015. Collection method: clinical testing. Allele origin: maternal. Affected: yes. Observed: 1 hemizygote.

NM_007325.5(GRIA3):c.2575C>T (p.Leu859Phe)

Gene: GRIA3 (glutamate ionotropic receptor AMPA type subunit 3; plus strand). Cytogenetic location: Xq25.
Variant type: single nucleotide variant.
Coding change: c.2575C>T on transcript NM_007325.5 (MANE Select); coding-DNA position 2575, C replaced by T.
Protein change: p.Leu859Phe; replaces leucine 859 with phenylalanine.
Molecular consequence: missense variant.
Genome position (GRCh38, 1-based): chrX:123,482,934, C>T. VCF-style: chrX-123482934-C-T. GRCh37 (hg19) VCF-style: chrX-122616785-C-T.
Other names: c.2575C>T, p.Leu859Phe (NM_000828.5); short protein forms L859F.
Identifiers: ClinVar variation 981268 (VCV000981268.6), dbSNP rs2045919094, ClinGen allele CA414256060.